The following is an entry in ClinVar:

NM_001267550.2(TTN):c.72645T>G (p.Leu24215=)

Genes: TTN-AS1 (TTN antisense RNA 1; plus strand), TTN (titin; minus strand). Cytogenetic location: 2q31.2.
Variant type: single nucleotide variant.
Coding change: c.72645T>G on transcript NM_001267550.2 (MANE Select); coding-DNA position 72645, T replaced by G.
Protein change: p.Leu24215=; no amino-acid change (leucine 24215 retained).
Molecular consequence: synonymous variant.
Genome position (GRCh38, 1-based): chr2:178,573,487, A>C on the plus strand (T>G on the coding strand, the complement: TTN is on the minus strand). VCF-style: chr2-178573487-A-C. GRCh37 (hg19) VCF-style: chr2-179438214-A-C.
Other names: c.67722T>G, p.Leu22574= (NM_001256850.1); c.45450T>G, p.Leu15150= (NM_003319.4); c.64941T>G, p.Leu21647= (NM_133378.4); c.45825T>G, p.Leu15275= (NM_133432.3); c.46026T>G, p.Leu15342= (NM_133437.4).
Identifiers: ClinVar variation 516832 (VCV000516832.4), dbSNP rs1218286270, ClinGen allele CA430256636.

ClinVar aggregate classification (germline): Likely benign. Review status: criteria provided, multiple submitters, no conflicts (2 of 4 stars). 4 submissions from 4 submitters: Likely benign (4). Last evaluated 2025-09-24.

Conditions:
Autosomal recessive limb-girdle muscular dystrophy type 2J (LGMDR10). Also called: MUSCULAR DYSTROPHY, LIMB-GIRDLE, AUTOSOMAL RECESSIVE 10; Limb-girdle muscular dystrophy, type 2J. Identifiers: Orphanet 140922, MedGen C1837342, MONDO:0012127, OMIM 608807.
Dilated cardiomyopathy 1G (CMD1G). Identifiers: Orphanet 154, MedGen C1858763, MONDO:0011400, OMIM 604145.
Hypertrophic cardiomyopathy 9. Also called: Familial hypertrophic cardiomyopathy 9. Identifiers: MedGen C1861065, MONDO:0013412, OMIM 613765.
Tibial muscular dystrophy (TMD). Also called: Udd Distal Myopathy – Tibial Muscular Dystrophy; Tibial muscular dystrophy, tardive; UDD MYOPATHY. Identifiers: Orphanet 609, MedGen C1838244, MONDO:0010870, OMIM 600334.
Early-onset myopathy with fatal cardiomyopathy (CMYO5). Also called: Salih Myopathy; CONGENITAL MYOPATHY 5 WITH CARDIOMYOPATHY. Identifiers: Orphanet 289377, MedGen C2673677, MONDO:0012714, OMIM 611705. Disease mechanism: loss of function.
Myopathy, myofibrillar, 9, with early respiratory failure (MFM9). Also called: MYOPATHY, PROXIMAL, WITH EARLY RESPIRATORY MUSCLE INVOLVEMENT; Myopathy, distal, with early respiratory failure, autosomal dominant; Hereditary myopathy with early respiratory failure; EDSTROM MYOPATHY. Identifiers: Orphanet 178464, Orphanet 34521, MedGen C1863599, MONDO:0011362, OMIM 603689.
Cardiomyopathy (CMYO). Also called: Cardiomyopathies. Identifiers: Orphanet 167848, MedGen C0878544, MONDO:0004994, HP:0001638. Inheritance: Various modes of inheritance.

Allele frequency attached by ClinVar (database versions not stated): TOPMed 0.00001; gnomAD exomes 0.00002.
gnomAD v4.1: 10 of 1,504,360 alleles (0.00066%); highest among the groups gnomAD compares: Non-Finnish European, 0.0008%; no homozygotes.

Submissions (4):

Labcorp Genetics (formerly Invitae), Labcorp
Classification: Likely benign for Dilated cardiomyopathy 1G; Autosomal recessive limb-girdle muscular dystrophy type 2J. Last evaluated: 2025-09-24. Review status: criteria provided, single submitter. Criteria: Invitae Variant Classification Sherloc (09022015). Collection method: clinical testing. Allele origin: germline.

CHEO Genetics Diagnostic Laboratory, Children's Hospital of Eastern Ontario
Classification: Likely benign for Cardiomyopathy. Last evaluated: 2022-08-02. Review status: criteria provided, single submitter. Criteria: ACMG Guidelines, 2015. Collection method: clinical testing. Allele origin: germline.

Fulgent Genetics
Classification: Likely benign for Tibial muscular dystrophy; Myopathy, myofibrillar, 9, with early respiratory failure; Dilated cardiomyopathy 1G; Autosomal recessive limb-girdle muscular dystrophy type 2J; Early-onset myopathy with fatal cardiomyopathy; Hypertrophic cardiomyopathy 9. Last evaluated: 2021-10-28. Review status: criteria provided, single submitter. Criteria: ACMG Guidelines, 2015. Collection method: clinical testing. Allele origin: unknown.

GeneDx
Classification: Likely benign. Last evaluated: 2018-01-24. Review status: criteria provided, single submitter. Criteria: GeneDx Variant Classification (06012015). Collection method: clinical testing. Allele origin: germline. Affected: yes.
Comment: This variant is considered likely benign or benign based on one or more of the following criteria: it is a conservative change, it occurs at a poorly conserved position in the protein, it is predicted to be benign by multiple in silico algorithms, and/or has population frequency not consistent with disease.